The following is an entry in ClinVar:

ClinVar aggregate classification (germline): Likely benign (0 of 4 stars; one submission).

Conditions:
TBC1D31-related disorder. Also called: TBC1D31-related condition.

Allele frequency attached by ClinVar (database versions not stated): ExAC 0.00052.
gnomAD v4.1: 177 of 1,610,270 alleles (0.011%); highest among the groups gnomAD compares: Admixed American, 0.3%; 1 homozygote.

Submission:

PreventionGenetics, part of Exact Sciences
Classification: Likely benign for TBC1D31-related condition. Last evaluated: 2022-03-09. Review status: no assertion criteria provided. Collection method: clinical testing. Allele origin: germline.
Comment: This variant is classified as likely benign based on ACMG/AMP sequence variant interpretation guidelines (Richards et al. 2015 PMID: 25741868, with internal and published modifications).

NM_145647.4(TBC1D31):c.1705-7G>A

Gene: TBC1D31 (TBC1 domain family member 31; plus strand). Cytogenetic location: 8q24.13.
Variant type: single nucleotide variant.
Coding change: c.1705-7G>A on transcript NM_145647.4 (MANE Select); 7 bases into the intron before coding-DNA position 1705, G replaced by A.
Molecular consequence: intron variant.
Genome position (GRCh38, 1-based): chr8:123,126,501, G>A. VCF-style: chr8-123126501-G-A. GRCh37 (hg19) VCF-style: chr8-124138741-G-A.
Other names: c.1705-7G>A (NM_001363151.2, NM_001363148.1, NM_001363150.1 and 2 more transcripts); c.1390-7G>A (NM_001330606.2, NM_001363155.1, NM_001363152.1 and 1 more transcripts); c.205-7G>A (NM_001363156.1); c.1675-7G>A (NM_001363149.1).
Identifiers: ClinVar variation 3046776 (VCV003046776.2), dbSNP rs747625775, ClinGen allele CA4863373.